The following is an entry in ClinVar:

NM_017617.5(NOTCH1):c.4081G>A (p.Gly1361Ser)

Gene: NOTCH1 (notch receptor 1; minus strand). Cytogenetic location: 9q34.3.
Variant type: single nucleotide variant.
Coding change: c.4081G>A on transcript NM_017617.5 (MANE Select); coding-DNA position 4081, G replaced by A.
Protein change: p.Gly1361Ser; replaces glycine 1361 with serine.
Molecular consequence: missense variant.
Genome position (GRCh38, 1-based): chr9:136,505,815, C>T on the plus strand (G>A on the coding strand, the complement: NOTCH1 is on the minus strand). VCF-style: chr9-136505815-C-T. GRCh37 (hg19) VCF-style: chr9-139400267-C-T.
Other names: short protein forms G1361S.
Identifiers: ClinVar variation 1984707 (VCV001984707.5), dbSNP rs1843074866, ClinGen allele CA375649894.
Genomic context (GRCh38, chr9:136,505,815, plus strand): 5'-GGCCCGTGAAGGGGCCCAGGCACAGGCAGGTGGGGCTGCGCGGGCCGGAGATGCATGTGC[C>T]GCCGTTGAGGCAGCGCAGGCTGCCGCAGGTACGAGCGTCATTCTCACACGTGGCGCCCTC-3'
Protein context (NP_060087.3, residues 1351-1371): TCGSLRCLNG[Gly1361Ser]TCISGPRSPT

ClinVar aggregate classification (germline): Uncertain significance. Review status: criteria provided, multiple submitters, no conflicts (2 of 4 stars). 2 submissions from 2 submitters: Uncertain significance (2). Last evaluated 2026-05-04.

Conditions:
Adams-Oliver syndrome 5 (AOS5). Identifiers: Orphanet 974, MedGen C4014970, MONDO:0014459, OMIM 616028.

Allele frequency attached by ClinVar (database versions not stated): gnomAD exomes 0.00001; TOPMed below 0.00001.
gnomAD v4.1: 9 of 1,590,506 alleles (0.00057%); highest among the groups gnomAD compares: South Asian, 0.0011%; no homozygotes.

Submissions (2):

Women's Health and Genetics/Laboratory Corporation of America, LabCorp
Classification: Uncertain significance. Last evaluated: 2026-05-04. Review status: criteria provided, single submitter. Criteria: LabCorp Variant Classification Summary - May 2015. Collection method: clinical testing. Allele origin: germline.
Comment: Variant summary: NOTCH1 c.4081G>A (p.Gly1361Ser) results in a non-conservative amino acid change in the encoded protein sequence. Algorithms developed to predict the effect of missense changes on protein structure and function all suggest that this variant is likely to be disruptive. The variant was absent in 220802 control chromosomes. The available data on variant occurrences in the general population are insufficient to allow any conclusion about variant significance. c.4081G>A has been observed in the presumed heterozygous state in at least 1 individual(s) affected with clinical features of NOTCH1-related conditions, without strong evidence for causality (example, Sierant_2025). These report(s) do not provide unequivocal conclusions about association of the variant with NOTCH1-related conditions. To our knowledge, no experimental evidence demonstrating an impact on protein function has been reported. The following publication has been ascertained in the context of this evaluation (PMID: 40127276). ClinVar contains an entry for this variant (Variation ID: 1984707). Based on the evidence outlined above, the variant was classified as uncertain significance.

Labcorp Genetics (formerly Invitae), Labcorp
Classification: Uncertain significance for Adams-Oliver syndrome 5. Last evaluated: 2022-03-16. Review status: criteria provided, single submitter. Criteria: Invitae Variant Classification Sherloc (09022015). Collection method: clinical testing. Allele origin: germline.
Comment: This sequence change replaces glycine, which is neutral and non-polar, with serine, which is neutral and polar, at codon 1361 of the NOTCH1 protein (p.Gly1361Ser). This variant is not present in population databases (gnomAD no frequency). In summary, the available evidence is currently insufficient to determine the role of this variant in disease. Therefore, it has been classified as a Variant of Uncertain Significance. Advanced modeling of protein sequence and biophysical properties (such as structural, functional, and spatial information, amino acid conservation, physicochemical variation, residue mobility, and thermodynamic stability) performed at Invitae indicates that this missense variant is not expected to disrupt NOTCH1 protein function. This variant has not been reported in the literature in individuals affected with NOTCH1-related conditions.

Literature cited by the submitters: PubMed 40127276 (cited by Women's Health and Genetics/Laboratory Corporation of America, LabCorp).